The following is an entry in ClinVar:

ClinVar aggregate classification (germline): Uncertain significance. Review status: criteria provided, single submitter (1 of 4 stars). 2 submissions from 2 submitters: Uncertain significance (1). 1 of the submissions does not count toward it. Last evaluated 2025-06-26.

Conditions:
Cystic fibrosis (CF). Also called: MUCOVISCIDOSIS. Identifiers: Orphanet 586, MedGen C0010674, MONDO:0009061, OMIM 219700. Disease mechanism: loss of function.

Submissions (2):

Ambry Genetics
Classification: Uncertain significance for Cystic fibrosis. Last evaluated: 2025-06-26. Review status: criteria provided, single submitter. Criteria: Ambry Variant Classification Scheme 2023. Collection method: clinical testing. Allele origin: germline.
Comment: The p.D1214V variant (also known as c.3641A>T), located in coding exon 22 of the CFTR gene, results from an A to T substitution at nucleotide position 3641. The aspartic acid at codon 1214 is replaced by valine, an amino acid with highly dissimilar properties. This amino acid position is conserved. In addition, this alteration is predicted to be deleterious by in silico analysis. Since supporting evidence is limited at this time, the clinical significance of this alteration remains unclear.

Natera, Inc.
Classification: Uncertain significance for Cystic Fibrosis. Last evaluated: 2020-09-04. Review status: no assertion criteria provided. Collection method: clinical testing. Allele origin: germline. Not counted in ClinVar's aggregate classification.

NM_000492.4(CFTR):c.3641A>T (p.Asp1214Val)

Genes: CFTR (CF transmembrane conductance regulator; plus strand), CFTR-AS2 (CFTR antisense RNA 2; minus strand). Cytogenetic location: 7q31.2.
Variant type: single nucleotide variant.
Coding change: c.3641A>T on transcript NM_000492.4 (MANE Select); coding-DNA position 3641, A replaced by T.
Protein change: p.Asp1214Val; replaces aspartic acid 1214 with valine.
Molecular consequence: missense variant.
Genome position (GRCh38, 1-based): chr7:117,627,694, A>T. VCF-style: chr7-117627694-A-T. GRCh37 (hg19) VCF-style: chr7-117267748-A-T.
Other names: c.3641A>T (NM_000492.3); short protein forms D1214V.
Identifiers: ClinVar variation 990539 (VCV000990539.4), dbSNP rs1792675407, ClinGen allele CA368997305.